The following is an entry in ClinVar:

NM_000179.3(MSH6):c.1748G>C (p.Arg583Thr)

Gene: MSH6 (mutS homolog 6; plus strand). Cytogenetic location: 2p16.3.
Variant type: single nucleotide variant.
Coding change: c.1748G>C on transcript NM_000179.3 (MANE Select); coding-DNA position 1748, G replaced by C.
Protein change: p.Arg583Thr; replaces arginine 583 with threonine.
Molecular consequence: missense variant.
Genome position (GRCh38, 1-based): chr2:47,799,731, G>C. VCF-style: chr2-47799731-G-C. GRCh37 (hg19) VCF-style: chr2-48026870-G-C.
Other names: c.1358G>C, p.Arg453Thr (NM_001281492.2); c.842G>C, p.Arg281Thr (NM_001281493.2, NM_001281494.2); short protein forms R583T, R453T, R281T.
Identifiers: ClinVar variation 631378 (VCV000631378.7), dbSNP rs1421598686, ClinGen allele CA346748917.
Genomic context (GRCh38, chr2:47,799,731, plus strand): 5'-CTTCACTGGGAAAGTTTTTCATAGGTCAGTTTTCAGATGATCGCCATTGTTCGAGATTTA[G>C]GACTCTAGTGGCACACTATCCCCCAGTACAAGTTTTATTTGAAAAAGGAAATCTCTCAAA-3'
Protein context (NP_000170.1, residues 573-593): FSDDRHCSRF[Arg583Thr]TLVAHYPPVQ

ClinVar aggregate classification (germline): Conflicting classifications of pathogenicity. Review status: criteria provided, conflicting classifications (1 of 4 stars). 2 submissions from 2 submitters: Uncertain significance (1); Likely benign (1). Last evaluated 2023-12-05.

Conditions:
Hereditary nonpolyposis colorectal neoplasms. Identifiers: MedGen C0009405, MeSH D003123.
Hereditary cancer-predisposing syndrome. Also called: Tumor predisposition; Neoplastic Syndromes, Hereditary; Hereditary neoplastic syndrome; Hereditary Cancer Syndrome. Identifiers: Orphanet 140162, MedGen C0027672, MeSH D009386, MONDO:0015356.

Allele frequency attached by ClinVar (database versions not stated): gnomAD exomes below 0.00001.
gnomAD v4.1: 3 of 1,614,140 alleles (0.00019%); highest among the groups gnomAD compares: East Asian, 0.0022%; no homozygotes.

Submissions (2):

Color Diagnostics, LLC DBA Color Health
Classification: Uncertain significance for Hereditary cancer-predisposing syndrome. Last evaluated: 2023-12-05. Review status: criteria provided, single submitter. Criteria: ACMG Guidelines, 2015. Collection method: clinical testing. Allele origin: germline.
Comment: This missense variant replaces arginine with threonine at codon 583 of the MSH6 protein. Computational prediction suggests that this variant may have deleterious impact on protein structure and function (internally defined REVEL score threshold >= 0.7, PMID: 27666373). To our knowledge, functional studies have not been reported for this variant. This variant has not been reported in individuals affected with MSH6-related disorders in the literature. This variant has been identified in 1/250260 chromosomes in the general population by the Genome Aggregation Database (gnomAD). The available evidence is insufficient to determine the role of this variant in disease conclusively. Therefore, this variant is classified as a Variant of Uncertain Significance.

Labcorp Genetics (formerly Invitae), Labcorp
Classification: Likely benign for Hereditary nonpolyposis colorectal neoplasms. Last evaluated: 2023-03-27. Review status: criteria provided, single submitter. Criteria: Invitae Variant Classification Sherloc (09022015). Collection method: clinical testing. Allele origin: germline.